The following is an entry in ClinVar:

NM_015570.4(AUTS2):c.659T>A (p.Phe220Tyr)

Gene: AUTS2 (activator of transcription and developmental regulator AUTS2; plus strand). Cytogenetic location: 7q11.22.
Variant type: single nucleotide variant.
Coding change: c.659T>A on transcript NM_015570.4 (MANE Select); coding-DNA position 659, T replaced by A.
Protein change: p.Phe220Tyr; replaces phenylalanine 220 with tyrosine.
Molecular consequence: missense variant.
Genome position (GRCh38, 1-based): chr7:70,134,570, T>A. VCF-style: chr7-70134570-T-A. GRCh37 (hg19) VCF-style: chr7-69599556-T-A.
Other names: c.659T>A, p.Phe220Tyr (NM_001127231.3, NM_001127232.3); short protein forms F220Y.
Identifiers: ClinVar variation 3365746 (VCV003365746.1).

ClinVar aggregate classification (germline): Uncertain significance (1 of 4 stars; one submission).

Submission:

GeneDx
Classification: Uncertain significance. Last evaluated: 2024-02-09. Review status: criteria provided, single submitter. Criteria: GeneDx Variant Classification Process June 2021. Collection method: clinical testing. Allele origin: germline. Affected: yes.
Comment: Not observed at significant frequency in large population cohorts (gnomAD); In silico analysis supports that this missense variant does not alter protein structure/function; Has not been previously published as pathogenic or benign to our knowledge